The following is an entry in ClinVar:

NC_000004.11:g.(?_128841785)_(128871022_?)del

Gene: MFSD8 (major facilitator superfamily domain containing 8; minus strand). Cytogenetic location: 4q28.2.
Variant type: Deletion.
Identifiers: ClinVar variation 3246660 (VCV003246660.1).

ClinVar aggregate classification (germline): Pathogenic (1 of 4 stars; one submission).

Conditions:
Neuronal ceroid lipofuscinosis 7 (CLN7). Also called: MFSD8-Related Neuronal Ceroid-Lipofuscinosis. Identifiers: Orphanet 168491, Orphanet 228366, MedGen C1838571, MONDO:0012588, OMIM 610951.

Submission:

Labcorp Genetics (formerly Invitae), Labcorp
Classification: Pathogenic for Neuronal ceroid lipofuscinosis 7. Last evaluated: 2023-03-12. Review status: criteria provided, single submitter. Criteria: Invitae Variant Classification Sherloc (09022015). Collection method: clinical testing. Allele origin: unknown.
Comment: This variant has not been reported in the literature in individuals affected with MFSD8-related conditions. For these reasons, this variant has been classified as Pathogenic. This variant disrupts a region of the MFSD8 protein in which other variant(s) (p.Met454Thr) have been determined to be pathogenic (PMID: 25333361, 28041643, 28586915). This suggests that this is a clinically significant region of the protein, and that variants that disrupt it are likely to be disease-causing. This variant is a gross deletion of the genomic region encompassing exon(s) 4-13 of the MFSD8 gene, which includes the termination codon. This deletion extends beyond the assayed region for this gene and therefore may encompass additional genes. While this deletion is not anticipated to lead to nonsense mediated decay, it is expected to alter mRNA translation or result in a truncated protein product.

Literature cited by the submitters: PubMed 25333361; PubMed 28041643; PubMed 28586915.